The following is an entry in ClinVar:

NM_001127208.3(TET2):c.1789T>C (p.Ser597Pro)

Genes: TET2 (tet methylcytosine dioxygenase 2; plus strand), TET2-AS1 (TET2 antisense RNA 1; minus strand). Cytogenetic location: 4q24.
Variant type: single nucleotide variant.
Coding change: c.1789T>C on transcript NM_001127208.3 (MANE Select); coding-DNA position 1789, T replaced by C.
Protein change: p.Ser597Pro; replaces serine 597 with proline.
Molecular consequence: missense variant.
Genome position (GRCh38, 1-based): chr4:105,235,731, T>C. VCF-style: chr4-105235731-T-C. GRCh37 (hg19) VCF-style: chr4-106156888-T-C.
Other names: c.1789T>C, p.Ser597Pro (NM_017628.4); short protein forms S597P.
Identifiers: ClinVar variation 3967554 (VCV003967554.1).

ClinVar aggregate classification (germline): Uncertain significance (1 of 4 stars; one submission).

gnomAD v4.1: 3 of 1,614,046 alleles (0.00019%); highest among the groups gnomAD compares: Middle Eastern, 0.016%; no homozygotes.

Submission:

Ambry Genetics
Classification: Uncertain significance. Last evaluated: 2025-04-12. Review status: criteria provided, single submitter. Criteria: Ambry Variant Classification Scheme 2023. Collection method: clinical testing. Allele origin: germline.
Comment: The p.S597P variant (also known as c.1789T>C), located in coding exon 1 of the TET2 gene, results from a T to C substitution at nucleotide position 1789. The serine at codon 597 is replaced by proline, an amino acid with similar properties. This amino acid position is conserved. In addition, this alteration is predicted to be tolerated by in silico analysis. Based on the available evidence, the clinical significance of this variant remains unclear.